The following is an entry in ClinVar:

ClinVar aggregate classification (germline): Uncertain significance. Review status: criteria provided, multiple submitters, no conflicts (2 of 4 stars). 2 submissions from 2 submitters: Uncertain significance (2). Last evaluated 2025-10-13.

Conditions:
Hereditary cancer-predisposing syndrome. Also called: Neoplastic Syndromes, Hereditary; Tumor predisposition; Hereditary Cancer Syndrome; Hereditary neoplastic syndrome. Identifiers: Orphanet 140162, MedGen C0027672, MeSH D009386, MONDO:0015356.

Submissions (2):

Labcorp Genetics (formerly Invitae), Labcorp
Classification: Uncertain significance. Last evaluated: 2025-10-13. Review status: criteria provided, single submitter. Criteria: Invitae Variant Classification Sherloc (09022015). Collection method: clinical testing. Allele origin: germline.
Comment: This sequence change replaces alanine, which is neutral and non-polar, with valine, which is neutral and non-polar, at codon 1198 of the POLE protein (p.Ala1198Val). This variant is not present in population databases (gnomAD no frequency). This variant has not been reported in the literature in individuals affected with POLE-related conditions. ClinVar contains an entry for this variant (Variation ID: 1733004). An algorithm developed to predict the effect of missense changes on protein structure and function outputs the following: PolyPhen-2: "Benign". The valine amino acid residue is found in multiple mammalian species, which suggests that this missense change does not adversely affect protein function. In summary, the available evidence is currently insufficient to determine the role of this variant in disease. Therefore, it has been classified as a Variant of Uncertain Significance.

Ambry Genetics
Classification: Uncertain significance for Hereditary cancer-predisposing syndrome. Last evaluated: 2025-09-12. Review status: criteria provided, single submitter. Criteria: Ambry Variant Classification Scheme 2023. Collection method: clinical testing. Allele origin: germline.
Comment: The p.A1198V variant (also known as c.3593C>T), located in coding exon 30 of the POLE gene, results from a C to T substitution at nucleotide position 3593. The alanine at codon 1198 is replaced by valine, an amino acid with similar properties. This amino acid position is conserved. In addition, this alteration is predicted to be tolerated by in silico analysis. Since supporting evidence is limited at this time, the clinical significance of this alteration remains unclear.

NM_006231.4(POLE):c.3593C>T (p.Ala1198Val)

Gene: POLE (DNA polymerase epsilon, catalytic subunit; minus strand). Cytogenetic location: 12q24.33.
Variant type: single nucleotide variant.
Coding change: c.3593C>T on transcript NM_006231.4 (MANE Select); coding-DNA position 3593, C replaced by T.
Protein change: p.Ala1198Val; replaces alanine 1198 with valine.
Molecular consequence: missense variant.
Genome position (GRCh38, 1-based): chr12:132,649,879, G>A on the plus strand (C>T on the coding strand, the complement: POLE is on the minus strand). VCF-style: chr12-132649879-G-A. GRCh37 (hg19) VCF-style: chr12-133226465-G-A.
Other names: short protein forms A1198V.
Identifiers: ClinVar variation 1733004 (VCV001733004.8), dbSNP rs1024652254, ClinGen allele CA387387057.